The following is an entry in ClinVar:

NM_001200.4(BMP2):c.1A>G (p.Met1Val)

Gene: BMP2 (bone morphogenetic protein 2; plus strand). Cytogenetic location: 20p12.3.
Variant type: single nucleotide variant.
Coding change: c.1A>G on transcript NM_001200.4 (MANE Select); coding-DNA position 1, A replaced by G.
Protein change: p.Met1Val; changes the start codon (methionine 1).
Molecular consequence: missense variant, initiator codon variant.
Genome position (GRCh38, 1-based): chr20:6,770,127, A>G. VCF-style: chr20-6770127-A-G. GRCh37 (hg19) VCF-style: chr20-6750774-A-G.
Other names: short protein forms M1V.
Identifiers: ClinVar variation 489195 (VCV000489195.3), dbSNP rs1555785711, ClinGen allele CA408260043.

ClinVar aggregate classification (germline): Uncertain significance (1 of 4 stars; one submission).

Submission:

GeneDx
Classification: Uncertain significance. Last evaluated: 2017-12-12. Review status: criteria provided, single submitter. Criteria: GeneDx Variant Classification (06012015). Collection method: clinical testing. Allele origin: germline. Affected: yes.
Comment: The c.1 A>G variant in the BMP2 gene has not been reported previously as a pathogenic variant nor as a benign variant, to our knowledge. The c.1 A>G variant is not observed in large population cohorts (Lek et al., 2016). As this variant changes the translation initiator Methionine codon, the resultant protein is described as p.Met1?, using a question mark to signify that it is not known if the loss of Met1 means that all protein translation is completely prevented or if an abnormal protein is produced using an alternate Methionine. We interpret c.1 A>G as a variant of uncertain significance.